The following is an entry in ClinVar:

ClinVar aggregate classification (germline): Uncertain significance (1 of 4 stars; one submission).

Submission:

GeneDx
Classification: Uncertain significance. Last evaluated: 2024-01-12. Review status: criteria provided, single submitter. Criteria: GeneDx Variant Classification Process June 2021. Collection method: clinical testing. Allele origin: germline. Affected: yes.
Comment: In silico analysis supports that this missense variant has a deleterious effect on protein structure/function; Not observed at significant frequency in large population cohorts (gnomAD); Has not been previously published as pathogenic or benign to our knowledge

NM_001039591.3(USP9X):c.3623C>T (p.Pro1208Leu)

Gene: USP9X (ubiquitin specific peptidase 9 X-linked; plus strand). Cytogenetic location: Xp11.4.
Variant type: single nucleotide variant.
Coding change: c.3623C>T on transcript NM_001039591.3 (MANE Select); coding-DNA position 3623, C replaced by T.
Protein change: p.Pro1208Leu; replaces proline 1208 with leucine.
Molecular consequence: missense variant.
Genome position (GRCh38, 1-based): chrX:41,186,581, C>T. VCF-style: chrX-41186581-C-T. GRCh37 (hg19) VCF-style: chrX-41045834-C-T.
Other names: c.3623C>T, p.Pro1208Leu (NM_001039590.3); c.3638C>T, p.Pro1213Leu (NM_001410748.1, NM_001410749.1); short protein forms P1208L, P1213L.
Identifiers: ClinVar variation 3367228 (VCV003367228.1).
Genomic context (GRCh38, chrX:41,186,581, plus strand): 5'-ACCAAGTTACCCATGATCAAGCAGTGGTGCTACAAAGTGCCCTTCAGAGCATTCCTAATC[C>T]ATCATCCGAGTGCATGCTTAGAAATGTGTCAGTTCGTCTTGCTCAGCAGATATCTGATGA-3'
Protein context (NP_001034680.2, residues 1198-1218): LQSALQSIPN[Pro1208Leu]SSECMLRNVS